The following is an entry in ClinVar:

NM_001159699.2(FHL1):c.736+2T>G

Gene: FHL1 (four and a half LIM domains 1; plus strand). Cytogenetic location: Xq26.3.
Variant type: single nucleotide variant.
Coding change: c.736+2T>G on transcript NM_001159699.2 (MANE Select); the canonical splice donor site of the intron after coding-DNA position 736, T replaced by G.
Molecular consequence: splice donor variant. On other transcripts: intron variant (2).
Genome position (GRCh38, 1-based): chrX:136,208,643, T>G. VCF-style: chrX-136208643-T-G. GRCh37 (hg19) VCF-style: chrX-135290802-T-G.
Other names: c.688+2T>G (NM_001159702.3, NM_001449.5, NM_001369326.1 and 8 more transcripts); c.501+682T>G (NM_001159703.2); c.775+2T>G (NM_001159701.2); c.549+682T>G (NM_001330659.2).
Identifiers: ClinVar variation 851689 (VCV000851689.10), dbSNP rs2073916521, ClinGen allele CA414609125.

ClinVar aggregate classification (germline): Pathogenic (1 of 4 stars; one submission).

Conditions:
X-linked myopathy with postural muscle atrophy. Also called: FHL1-Related Emery-Dreifuss Muscular Dystrophy, X-Linked. Identifiers: Orphanet 178461, MedGen C2678055, MONDO:0010401, OMIM 300696.

Submission:

Labcorp Genetics (formerly Invitae), Labcorp
Classification: Pathogenic for X-linked myopathy with postural muscle atrophy. Last evaluated: 2024-12-10. Review status: criteria provided, single submitter. Criteria: Invitae Variant Classification Sherloc (09022015). Collection method: clinical testing. Allele origin: germline.
Comment: This sequence change affects a donor splice site in intron 6 of the FHL1 gene. While this variant is not anticipated to result in nonsense mediated decay, it likely alters RNA splicing and results in a disrupted protein product. This variant is not present in population databases (gnomAD no frequency). This variant has not been reported in the literature in individuals affected with FHL1-related conditions. ClinVar contains an entry for this variant (Variation ID: 851689). Variants that disrupt the consensus splice site are a relatively common cause of aberrant splicing (PMID: 17576681, 9536098). Algorithms developed to predict the effect of sequence changes on RNA splicing suggest that this variant may disrupt the consensus splice site. This variant disrupts a region of the FHL1 protein in which other variant(s) (p.Cys276Tyr) have been determined to be pathogenic (PMID: 19716112, 22523091; internal data). This suggests that this is a clinically significant region of the protein, and that variants that disrupt it are likely to be disease-causing. For these reasons, this variant has been classified as Pathogenic.

Literature cited by the submitters: PubMed 17576681; PubMed 9536098; PubMed 19716112; PubMed 22523091.